The following is an entry in ClinVar:

ClinVar aggregate classification (germline): Likely benign. Review status: criteria provided, multiple submitters, no conflicts (2 of 4 stars). 2 submissions from 2 submitters: Likely benign (2). Last evaluated 2017-06-16.

Conditions:
Hereditary cancer-predisposing syndrome. Also called: Hereditary neoplastic syndrome; Tumor predisposition; Hereditary Cancer Syndrome; Neoplastic Syndromes, Hereditary. Identifiers: Orphanet 140162, MedGen C0027672, MeSH D009386, MONDO:0015356.

Submissions (2):

GeneDx
Classification: Likely benign. Last evaluated: 2017-06-16. Review status: criteria provided, single submitter. Criteria: GeneDx Variant Classification (06012015). Collection method: clinical testing. Allele origin: germline. Affected: yes.
Comment: This variant is considered likely benign or benign based on one or more of the following criteria: it is a conservative change, it occurs at a poorly conserved position in the protein, it is predicted to be benign by multiple in silico algorithms, and/or has population frequency not consistent with disease.

Color Diagnostics, LLC DBA Color Health
Classification: Likely benign for Hereditary cancer-predisposing syndrome. Last evaluated: 2017-04-06. Review status: criteria provided, single submitter. Criteria: ACMG Guidelines, 2015. Collection method: clinical testing. Allele origin: germline.

NM_005359.6(SMAD4):c.-15G>A

Gene: SMAD4 (SMAD family member 4; plus strand). Cytogenetic location: 18q21.2.
Variant type: single nucleotide variant.
Coding change: c.-15G>A on transcript NM_005359.6 (MANE Select); 15 bases upstream of the start codon, G replaced by A.
Molecular consequence: 5 prime UTR variant.
Genome position (GRCh38, 1-based): chr18:51,047,032, G>A. VCF-style: chr18-51047032-G-A. GRCh37 (hg19) VCF-style: chr18-48573402-G-A.
Identifiers: ClinVar variation 492456 (VCV000492456.3), dbSNP rs1555684975, ClinGen allele CA658684187.